The following is an entry in ClinVar:

ClinVar aggregate classification (germline): Conflicting classifications of pathogenicity. Review status: criteria provided, conflicting classifications (1 of 4 stars). 3 submissions from 3 submitters: Uncertain significance (1); Likely benign (1). 1 of the submissions does not count toward it. Last evaluated 2026-01-05.

Conditions:
PKHD1-related disorder. Also called: PKHD1-related condition.
Autosomal recessive polycystic kidney disease (ARPKD). Also called: AR polycystic kidney disease. Identifiers: Orphanet 731, Orphanet 8378, MedGen C0085548, MeSH D017044, MONDO:0009889.

Allele frequency attached by ClinVar (database versions not stated): gnomAD exomes 0.00001 and 0.00004; ExAC 0.00007; 1000 Genomes Project 30x 0.00016; gnomAD 0.00016 and 0.00019; TOPMed 0.00016; 1000 Genomes Project 0.00020; ESP Exome Variant Server 0.00023.
gnomAD v4.1: 37 of 1,611,824 alleles (0.0023%); highest among the groups gnomAD compares: African/African-American, 0.049%; no homozygotes.

Submissions (3):

Labcorp Genetics (formerly Invitae), Labcorp
Classification: Likely benign for Autosomal recessive polycystic kidney disease. Last evaluated: 2026-01-05. Review status: criteria provided, single submitter. Criteria: Invitae Variant Classification Sherloc (09022015). Collection method: clinical testing. Allele origin: germline.

Eurofins Ntd Llc (ga)
Classification: Uncertain significance. Last evaluated: 2017-01-12. Review status: criteria provided, single submitter. Criteria: EGL Classification Definitions 2015. Collection method: clinical testing. Allele origin: germline. Observed: 1 variant allele, 1 heterozygote.

PreventionGenetics, part of Exact Sciences
Classification: Likely benign for PKHD1-related condition. Last evaluated: 2024-02-20. Review status: no assertion criteria provided. Collection method: clinical testing. Allele origin: germline. Not counted in ClinVar's aggregate classification.
Comment: This variant is classified as likely benign based on ACMG/AMP sequence variant interpretation guidelines (Richards et al. 2015 PMID: 25741868, with internal and published modifications).

NM_138694.4(PKHD1):c.8187C>A (p.Ala2729=)

Gene: PKHD1 (PKHD1 ciliary IPT domain containing fibrocystin/polyductin; minus strand). Cytogenetic location: 6p12.2.
Variant type: single nucleotide variant.
Coding change: c.8187C>A on transcript NM_138694.4 (MANE Select); coding-DNA position 8187, C replaced by A.
Protein change: p.Ala2729=; no amino-acid change (alanine 2729 retained).
Molecular consequence: synonymous variant.
Genome position (GRCh38, 1-based): chr6:51,830,976, G>T on the plus strand (C>A on the coding strand, the complement: PKHD1 is on the minus strand). VCF-style: chr6-51830976-G-T. GRCh37 (hg19) VCF-style: chr6-51695774-G-T.
Other names: c.8187C>A, p.Ala2729= (NM_170724.3).
Identifiers: ClinVar variation 499804 (VCV000499804.16), dbSNP rs149310653, ClinGen allele CA3851701.